The following is an entry in ClinVar:

NM_025074.7(FRAS1):c.3649-3_3706del

Gene: FRAS1 (Fraser extracellular matrix complex subunit 1; plus strand). Cytogenetic location: 4q21.21.
Variant type: Deletion.
Coding change: c.3649-3_3706del on transcript NM_025074.7 (MANE Select); 3 bases into the intron before coding-DNA position 3649 through coding-DNA position 3706, 61 bases deleted.
Molecular consequence: splice acceptor variant.
Genome position (GRCh38, 1-based): chr4:78,387,372-78,387,432, 61 bases deleted. GRCh37 (hg19): chr4:79,308,526-79,308,586.
Other names: c.3649-3_3706del (NM_001166133.2).
Identifiers: ClinVar variation 3640026 (VCV003640026.2).

ClinVar aggregate classification (germline): Likely pathogenic (1 of 4 stars; one submission).

Submission:

Labcorp Genetics (formerly Invitae), Labcorp
Classification: Likely pathogenic. Last evaluated: 2024-02-10. Review status: criteria provided, single submitter. Criteria: Invitae Variant Classification Sherloc (09022015). Collection method: clinical testing. Allele origin: germline.
Comment: This variant results in the deletion of part of exon 29 (c.3649-3_3706del) of the FRAS1 gene. It is expected to disrupt RNA splicing. Variants that disrupt the donor or acceptor splice site typically lead to a loss of protein function (PMID: 16199547), and loss-of-function variants in FRAS1 are known to be pathogenic (PMID: 12766769, 18671281). This variant is not present in population databases (gnomAD no frequency). This variant has not been reported in the literature in individuals affected with FRAS1-related conditions. In summary, the currently available evidence indicates that the variant is pathogenic, but additional data are needed to prove that conclusively. Therefore, this variant has been classified as Likely Pathogenic.

Literature cited by the submitters: PubMed 16199547; PubMed 12766769; PubMed 18671281.